The following is an entry in ClinVar:

ClinVar aggregate classification (germline): Likely benign. Review status: criteria provided, multiple submitters, no conflicts (2 of 4 stars). 5 submissions from 5 submitters: Likely benign (5). Last evaluated 2023-12-29.

Conditions:
Familial thoracic aortic aneurysm and aortic dissection (TAAD). Also called: Thoracic aortic aneurysms and dissections. Identifiers: Orphanet 91387, MedGen C4707243, MONDO:0019625.
Marfan syndrome (MFS). Also called: Marfan syndrome type 1; Marfan's syndrome; FBN1-Related Marfan Syndrome; MARFAN SYNDROME, TYPE I; Marfan syndrome, classic. Identifiers: Orphanet 284963, Orphanet 558, MedGen C0024796, MONDO:0007947, OMIM 154700.

Allele frequency attached by ClinVar (database versions not stated): ExAC 0.00001; TOPMed 0.00001; ESP Exome Variant Server 0.00008.
gnomAD v4.1: 9 of 1,614,052 alleles (0.00056%); highest among the groups gnomAD compares: East Asian, 0.0022%; no homozygotes.

Submissions (5):

Ambry Genetics
Classification: Likely benign for Familial thoracic aortic aneurysm and aortic dissection. Last evaluated: 2023-12-29. Review status: criteria provided, single submitter. Criteria: Ambry Variant Classification Scheme 2023. Collection method: clinical testing. Allele origin: germline.

All of Us Research Program, National Institutes of Health
Classification: Likely benign for Marfan syndrome. Last evaluated: 2023-10-02. Review status: criteria provided, single submitter. Criteria: ACMG Guidelines, 2015. Collection method: clinical testing. Allele origin: germline. Inheritance: Autosomal dominant inheritance. Observed: 2 variant alleles, 2 heterozygotes.
Comment: This study involves interpretation of variants in research participants for the purpose of population health screening. Participant phenotype was not available at the time of variant classification. Additional details can be found in publication PMID: 35346344, PMCID: PMC8962531

CeGaT Center for Human Genetics Tuebingen
Classification: Likely benign. Last evaluated: 2023-10-01. Review status: criteria provided, single submitter. Criteria: CeGaT Center For Human Genetics Tuebingen Variant Classification Criteria Version 2. Collection method: clinical testing. Allele origin: germline. Affected: yes. Observed: 1 variant allele.
Comment: FBN1: BP4, BP7

Labcorp Genetics (formerly Invitae), Labcorp
Classification: Likely benign for Marfan syndrome; Familial thoracic aortic aneurysm and aortic dissection. Last evaluated: 2023-09-13. Review status: criteria provided, single submitter. Criteria: Invitae Variant Classification Sherloc (09022015). Collection method: clinical testing. Allele origin: germline.

Color Diagnostics, LLC DBA Color Health
Classification: Likely benign for Familial thoracic aortic aneurysm and aortic dissection. Last evaluated: 2018-12-03. Review status: criteria provided, single submitter. Criteria: ACMG Guidelines, 2015. Collection method: clinical testing. Allele origin: germline.

NM_000138.5(FBN1):c.7515C>T (p.Gly2505=)

Gene: FBN1 (fibrillin 1; minus strand). Cytogenetic location: 15q21.1.
Variant type: single nucleotide variant.
Coding change: c.7515C>T on transcript NM_000138.5 (MANE Select); coding-DNA position 7515, C replaced by T.
Protein change: p.Gly2505=; no amino-acid change (glycine 2505 retained).
Molecular consequence: synonymous variant.
Genome position (GRCh38, 1-based): chr15:48,422,007, G>A on the plus strand (C>T on the coding strand, the complement: FBN1 is on the minus strand). VCF-style: chr15-48422007-G-A. GRCh37 (hg19) VCF-style: chr15-48714204-G-A.
Identifiers: ClinVar variation 922237 (VCV000922237.36), dbSNP rs374570475, ClinGen allele CA058723.